The following is an entry in ClinVar:

NM_057175.5(NAA15):c.1115C>T (p.Thr372Ile)

Gene: NAA15 (N-alpha-acetyltransferase 15, NatA auxiliary subunit; plus strand). Cytogenetic location: 4q31.1.
Variant type: single nucleotide variant.
Coding change: c.1115C>T on transcript NM_057175.5 (MANE Select); coding-DNA position 1115, C replaced by T.
Protein change: p.Thr372Ile; replaces threonine 372 with isoleucine.
Molecular consequence: missense variant.
Genome position (GRCh38, 1-based): chr4:139,357,413, C>T. VCF-style: chr4-139357413-C-T. GRCh37 (hg19) VCF-style: chr4-140278567-C-T.
Other names: c.1115C>T, p.Thr372Ile (NM_001410842.1); short protein forms T372I.
Identifiers: ClinVar variation 3774791 (VCV003774791.2).

ClinVar aggregate classification (germline): Uncertain significance (1 of 4 stars; one submission).

gnomAD v4.1: 1 of 1,613,852 alleles (0.000062%); highest among the groups gnomAD compares: Non-Finnish European, 0.000085%; no homozygotes.

Submission:

GeneDx
Classification: Uncertain significance. Last evaluated: 2026-10-17. Review status: criteria provided, single submitter. Criteria: GeneDx Variant Classification Process June 2021. Collection method: clinical testing. Allele origin: germline.
Comment: Not observed at significant frequency in large population cohorts (gnomAD); In silico analysis supports that this missense variant has a deleterious effect on protein structure/function; Has not been previously published as pathogenic or benign to our knowledge